The following is an entry in ClinVar:

NM_052876.4(NACC1):c.1217T>C (p.Phe406Ser)

Gene: NACC1 (nucleus accumbens associated 1; plus strand). Cytogenetic location: 19p13.13.
Variant type: single nucleotide variant.
Coding change: c.1217T>C on transcript NM_052876.4 (MANE Select); coding-DNA position 1217, T replaced by C.
Protein change: p.Phe406Ser; replaces phenylalanine 406 with serine.
Molecular consequence: missense variant.
Genome position (GRCh38, 1-based): chr19:13,137,367, T>C. VCF-style: chr19-13137367-T-C. GRCh37 (hg19) VCF-style: chr19-13248181-T-C.
Other names: c.1217T>C (NM_052876.2); short protein forms F406S.
Identifiers: ClinVar variation 1503749 (VCV001503749.8), dbSNP rs531044891, ClinGen allele CA9238457.

ClinVar aggregate classification (germline): Uncertain significance. Review status: criteria provided, multiple submitters, no conflicts (2 of 4 stars). 3 submissions from 3 submitters: Uncertain significance (3). Last evaluated 2026-03-23.

Conditions:
Inborn genetic diseases. Identifiers: MedGen C0950123, MeSH D030342.

Allele frequency attached by ClinVar (database versions not stated): gnomAD exomes below 0.00001; TOPMed below 0.00001; ExAC 0.00001; gnomAD 0.00001; 1000 Genomes Project 30x 0.00016; 1000 Genomes Project 0.00020.
gnomAD v4.1: 7 of 1,592,190 alleles (0.00044%); highest among the groups gnomAD compares: East Asian, 0.0023%; no homozygotes.

Submissions (3):

Ambry Genetics
Classification: Uncertain significance for Inborn genetic diseases. Last evaluated: 2026-03-23. Review status: criteria provided, single submitter. Criteria: Ambry Variant Classification Scheme 2023. Collection method: clinical testing. Allele origin: germline.

Labcorp Genetics (formerly Invitae), Labcorp
Classification: Uncertain significance. Last evaluated: 2023-07-25. Review status: criteria provided, single submitter. Criteria: Invitae Variant Classification Sherloc (09022015). Collection method: clinical testing. Allele origin: germline.
Comment: This sequence change replaces phenylalanine, which is neutral and non-polar, with serine, which is neutral and polar, at codon 406 of the NACC1 protein (p.Phe406Ser). This variant is present in population databases (rs531044891, gnomAD 0.003%). This variant has not been reported in the literature in individuals affected with NACC1-related conditions. ClinVar contains an entry for this variant (Variation ID: 1503749). Advanced modeling of protein sequence and biophysical properties (such as structural, functional, and spatial information, amino acid conservation, physicochemical variation, residue mobility, and thermodynamic stability) performed at Invitae indicates that this missense variant is not expected to disrupt NACC1 protein function. In summary, the available evidence is currently insufficient to determine the role of this variant in disease. Therefore, it has been classified as a Variant of Uncertain Significance.

Blueprint Genetics
Classification: Uncertain significance. Last evaluated: 2021-07-09. Review status: criteria provided, single submitter. Criteria: ACMG Guidelines, 2015. Collection method: clinical testing. Allele origin: germline.